The following is an entry in ClinVar:

ClinVar aggregate classification (germline): Pathogenic (1 of 4 stars; one submission).

Conditions:
Polycystic kidney disease, adult type (PKD1). Also called: Polycystic Kidney Disease 1, Autosomal Dominant; Polycystic kidney disease 1; Polycystic kidney disease 1, severe; Polycystic Kidney, Autosomal Dominant; POLYCYSTIC KIDNEY DISEASE 1 WITH OR WITHOUT POLYCYSTIC LIVER DISEASE; POLYCYSTIC KIDNEY DISEASE, ADULT, TYPE I. Identifiers: MedGen C3149841, MONDO:0008263, OMIM 173900.

Submission:

MVZ Medizinische Genetik Mainz
Classification: Pathogenic for Polycystic kidney disease, adult type. Last evaluated: 2022-10-26. Review status: criteria provided, single submitter. Criteria: UK Practice Guidelines For Variant Classification V4 01 2020. Collection method: clinical testing. Allele origin: germline. Inheritance: Autosomal dominant inheritance. Affected: yes. Observed: 1 variant allele.
Comment: ACMG Criteria: PVS1, PM2_SUP, PP4 (ACMG Version 4)

NM_001009944.3(PKD1):c.3613del (p.Asp1205fs)

Gene: PKD1 (polycystin 1, transient receptor potential channel interacting; minus strand). Cytogenetic location: 16p13.3.
Variant type: Deletion.
Coding change: c.3613del on transcript NM_001009944.3 (MANE Select); coding-DNA position 3613, one base deleted (G; older notation c.3613delG).
Protein change: p.Asp1205fs; shifts the reading frame from aspartic acid 1205.
Molecular consequence: frameshift variant.
Genome position (GRCh38, 1-based): chr16:2,111,554, C deleted on the plus strand (G on the coding strand, the reverse complement: PKD1 is on the minus strand); the first of 2 consecutive C bases (chr16:2,111,554-2,111,555); deleting either gives the same sequence. VCF-style (leftmost placement, unchanged base first): chr16-2111553-TC-T. GRCh37 (hg19) VCF-style: chr16-2161554-TC-T.
Other names: c.3613del, p.Asp1205fs (NM_000296.4); short protein forms D1205fs.
Identifiers: ClinVar variation 3236058 (VCV003236058.1), dbSNP rs2544829295, ClinGen allele CA2825002328.